The following is an entry in ClinVar:

ClinVar aggregate classification (germline): Uncertain significance (1 of 4 stars; one submission).

Conditions:
Joubert syndrome. Also called: CEREBELLOPARENCHYMAL DISORDER IV; JOUBERT-BOLTSHAUSER SYNDROME; Familial aplasia of the vermis. Identifiers: Orphanet 475, MedGen C5979921, MONDO:0018772.
Nephronophthisis. Also called: Juvenile Nephronophthisis. Identifiers: Orphanet 655, MedGen C0687120, MONDO:0019005, HP:0000090.
Meckel-Gruber syndrome. Also called: DYSENCEPHALIA SPLANCHNOCYSTICA; GRUBER SYNDROME; Dysencephalia splachnocystica. Identifiers: Orphanet 564, MedGen C0265215, MONDO:0018921.

Allele frequency attached by ClinVar (database versions not stated): ExAC 0.00001.

Submission:

Labcorp Genetics (formerly Invitae), Labcorp
Classification: Uncertain significance for Joubert syndrome; Meckel-Gruber syndrome; Nephronophthisis. Last evaluated: 2022-01-04. Review status: criteria provided, single submitter. Criteria: Invitae Variant Classification Sherloc (09022015). Collection method: clinical testing. Allele origin: germline.
Comment: This sequence change replaces arginine, which is basic and polar, with threonine, which is neutral and polar, at codon 1567 of the CEP290 protein (p.Arg1567Thr). This variant is present in population databases (rs765514039, gnomAD 0.002%). This variant has not been reported in the literature in individuals affected with CEP290-related conditions. Algorithms developed to predict the effect of missense changes on protein structure and function are either unavailable or do not agree on the potential impact of this missense change (SIFT: "Deleterious"; PolyPhen-2: "Probably Damaging"; Align-GVGD: "Class C0"). In summary, the available evidence is currently insufficient to determine the role of this variant in disease. Therefore, it has been classified as a Variant of Uncertain Significance.

NM_025114.4(CEP290):c.4700G>C (p.Arg1567Thr)

Gene: CEP290 (centrosomal protein 290; minus strand). Cytogenetic location: 12q21.32.
Variant type: single nucleotide variant.
Coding change: c.4700G>C on transcript NM_025114.4 (MANE Select); coding-DNA position 4700, G replaced by C.
Protein change: p.Arg1567Thr; replaces arginine 1567 with threonine.
Molecular consequence: missense variant.
Genome position (GRCh38, 1-based): chr12:88,084,590, C>G on the plus strand (G>C on the coding strand, the complement: CEP290 is on the minus strand). VCF-style: chr12-88084590-C-G. GRCh37 (hg19) VCF-style: chr12-88478367-C-G.
Other names: short protein forms R1567T.
Identifiers: ClinVar variation 2085614 (VCV002085614.1), dbSNP rs765514039, ClinGen allele CA6711887.
Genomic context (GRCh38, chr12:88,084,590, plus strand): 5'-GCATTTGCTTAAAAAAACTAATGGATAACAGCATAACTCATAATATAATAAAATACCTCT[C>G]TGGCTTTTTCTAGAAGACGTTGATACTTCTTTAATACTTCTTCTTTTTGATTTAACCTTG-3'
Protein context (NP_079390.3, residues 1557-1577): KKYQRLLEKA[Arg1567Thr]EEQREIVKKH